The following is an entry in ClinVar:

ClinVar aggregate classification (germline): Uncertain significance (1 of 4 stars; one submission).

Conditions:
Ataxia-telangiectasia syndrome (AT). Also called: Ataxia-telangiectasia; LOUIS-BAR SYNDROME; Ataxia-telangiectasia, complementation group D; AT, COMPLEMENTATION GROUP C; ATAXIA-TELANGIECTASIA, COMPLEMENTATION GROUP A; ATAXIA-TELANGIECTASIA, FRESNO VARIANT. Identifiers: Orphanet 100, MedGen C0004135, MONDO:0008840, OMIM 208900.

Submission:

Labcorp Genetics (formerly Invitae), Labcorp
Classification: Uncertain significance for Ataxia-telangiectasia syndrome. Last evaluated: 2021-07-31. Review status: criteria provided, single submitter. Criteria: Invitae Variant Classification Sherloc (09022015). Collection method: clinical testing. Allele origin: germline.
Comment: Algorithms developed to predict the effect of missense changes on protein structure and function (SIFT, PolyPhen-2, Align-GVGD) all suggest that this variant is likely to be tolerated. In summary, the available evidence is currently insufficient to determine the role of this variant in disease. Therefore, it has been classified as a Variant of Uncertain Significance. This variant has not been reported in the literature in individuals affected with ATM-related conditions. This variant is not present in population databases (ExAC no frequency). This sequence change replaces glutamine with glutamic acid at codon 2641 of the ATM protein (p.Gln2641Glu). The glutamine residue is moderately conserved and there is a small physicochemical difference between glutamine and glutamic acid.

NM_000051.4(ATM):c.7921C>G (p.Gln2641Glu)

Genes: ATM (ATM serine/threonine kinase; plus strand), C11orf65 (chromosome 11 open reading frame 65; minus strand). Cytogenetic location: 11q22.3.
Variant type: single nucleotide variant.
Coding change: c.7921C>G on transcript NM_000051.4 (MANE Select); coding-DNA position 7921, C replaced by G.
Protein change: p.Gln2641Glu; replaces glutamine 2641 with glutamic acid.
Molecular consequence: missense variant. On other transcripts: intron variant (2).
Genome position (GRCh38, 1-based): chr11:108,332,894, C>G. VCF-style: chr11-108332894-C-G. GRCh37 (hg19) VCF-style: chr11-108203621-C-G.
Other names: c.7921C>G, p.Gln2641Glu (NM_001351834.2); c.641-23823G>C (NM_001330368.2); c.*38+2326G>C (NM_001351110.2); short protein forms Q2641E.
Identifiers: ClinVar variation 1444446 (VCV001444446.7), dbSNP rs769523686, ClinGen allele CA382561517.
Genomic context (GRCh38, chr11:108,332,894, plus strand): 5'-GAGGCACTTTGTGATGCTTATATTATATTAGCAAACTTAGATGCCACTCAGTGGAAGACT[C>G]AGAGAAGTATGTTTTTTTTAAAGAAGAAACGTTACTTTCTTGCTGTGTTACTCTCTGTAG-3'
Protein context (NP_000042.3, residues 2631-2651): ANLDATQWKT[Gln2641Glu]RKGINIPADQ